The following is an entry in ClinVar:

ClinVar aggregate classification (germline): Uncertain significance. Review status: criteria provided, multiple submitters, no conflicts (2 of 4 stars). 3 submissions from 3 submitters: Uncertain significance (3). Last evaluated 2023-11-30.

Conditions:
Marfan syndrome (MFS). Also called: Marfan syndrome type 1; Marfan's syndrome; Marfan syndrome, classic; MARFAN SYNDROME, TYPE I; FBN1-Related Marfan Syndrome. Identifiers: Orphanet 284963, Orphanet 558, MedGen C0024796, MONDO:0007947, OMIM 154700.
Familial thoracic aortic aneurysm and aortic dissection (TAAD). Also called: Thoracic aortic aneurysms and dissections. Identifiers: Orphanet 91387, MedGen C4707243, MONDO:0019625.

Allele frequency attached by ClinVar (database versions not stated): gnomAD exomes below 0.00001.
gnomAD v4.1: 2 of 1,614,144 alleles (0.00012%); highest among the groups gnomAD compares: Non-Finnish European, 0.000085%; no homozygotes.

Submissions (3):

All of Us Research Program, National Institutes of Health
Classification: Uncertain significance for Marfan syndrome. Last evaluated: 2023-11-30. Review status: criteria provided, single submitter. Criteria: ACMG Guidelines, 2015. Collection method: clinical testing. Allele origin: germline. Inheritance: Autosomal dominant inheritance. Observed: 1 variant allele, 1 heterozygote.
Comment: This study involves interpretation of variants in research participants for the purpose of population health screening. Participant phenotype was not available at the time of variant classification. Additional details can be found in publication PMID: 35346344, PMCID: PMC8962531

Ambry Genetics
Classification: Uncertain significance for Familial thoracic aortic aneurysm and aortic dissection. Last evaluated: 2022-11-15. Review status: criteria provided, single submitter. Criteria: Ambry Variant Classification Scheme 2023. Collection method: clinical testing. Allele origin: germline.
Comment: The p.N2456H variant (also known as c.7366A>C), located in coding exon 59 of the FBN1 gene, results from an A to C substitution at nucleotide position 7366. The asparagine at codon 2456 is replaced by histidine, an amino acid with similar properties. This amino acid position is highly conserved in available vertebrate species. In addition, the in silico prediction for this alteration is inconclusive. Since supporting evidence is limited at this time, the clinical significance of this alteration remains unclear.

GeneDx
Classification: Uncertain significance. Last evaluated: 2021-04-30. Review status: criteria provided, single submitter. Criteria: GeneDx Variant Classification Process June 2021. Collection method: clinical testing. Allele origin: germline. Affected: yes.
Comment: Has not been previously published as pathogenic or benign to our knowledge; Not observed in large population cohorts (Lek et al., 2016); In silico analysis supports that this missense variant has a deleterious effect on protein structure/function; Although located in a calcium-binding EGF-like domain of the FBN1 gene, it does not affect a cysteine residue within this domain; cysteine substitutions in the calcium-binding EGF-like domains represent the majority of pathogenic missense changes associated with FBN1-related disorders (Collod-Beroud et al., 2003)

NM_000138.5(FBN1):c.7366A>C (p.Asn2456His)

Gene: FBN1 (fibrillin 1; minus strand). Cytogenetic location: 15q21.1.
Variant type: single nucleotide variant.
Coding change: c.7366A>C on transcript NM_000138.5 (MANE Select); coding-DNA position 7366, A replaced by C.
Protein change: p.Asn2456His; replaces asparagine 2456 with histidine.
Molecular consequence: missense variant.
Genome position (GRCh38, 1-based): chr15:48,425,456, T>G on the plus strand (A>C on the coding strand, the complement: FBN1 is on the minus strand). VCF-style: chr15-48425456-T-G. GRCh37 (hg19) VCF-style: chr15-48717653-T-G.
Other names: short protein forms N2456H.
Identifiers: ClinVar variation 1177904 (VCV001177904.5), dbSNP rs2141226433, ClinGen allele CA392327943.